The following is an entry in ClinVar:

NM_024577.4(SH3TC2):c.1587T>G (p.Arg529=)

Gene: SH3TC2 (SH3 domain and tetratricopeptide repeats 2; minus strand). Cytogenetic location: 5q32.
Variant type: single nucleotide variant.
Coding change: c.1587T>G on transcript NM_024577.4 (MANE Select); coding-DNA position 1587, T replaced by G.
Protein change: p.Arg529=; no amino-acid change (arginine 529 retained).
Molecular consequence: synonymous variant.
Genome position (GRCh38, 1-based): chr5:149,028,145, A>C on the plus strand (T>G on the coding strand, the complement: SH3TC2 is on the minus strand). VCF-style: chr5-149028145-A-C. GRCh37 (hg19) VCF-style: chr5-148407708-A-C.
Other names: p.Arg529=.
Identifiers: ClinVar variation 130298 (VCV000130298.36), dbSNP rs1432794, ClinGen allele CA155189.

ClinVar aggregate classification (germline): Benign/Likely benign. Review status: criteria provided, multiple submitters, no conflicts (2 of 4 stars). 16 submissions from 14 submitters: Benign (11); Likely benign (1). 4 of the submissions do not count toward it. Last evaluated 2026-02-04.

Conditions:
Charcot-Marie-Tooth disease. Also called: Charcot-Marie-Tooth Hereditary Neuropathy; Charcot-Marie-Tooth Neuropathy. Identifiers: Orphanet 166, MedGen C0007959, MONDO:0015626.
Charcot-Marie-Tooth disease type 4. Also called: Charcot-Marie-Tooth, Type 4; Charcot-Marie-Tooth disease, type IV. Identifiers: Orphanet 64749, MedGen C4082197, MONDO:0018995.
Susceptibility to mononeuropathy of the median nerve, mild. Also called: CARPAL TUNNEL SYNDROME, SUSCEPTIBILITY TO. Identifiers: MedGen C3150596, MONDO:0013237, OMIM 613353.
Charcot-Marie-Tooth disease type 4C (CMT4C). Also called: SH3TC2-Related Hereditary Motor and Sensory Neuropathy; Charcot-Marie-Tooth Neuropathy Type 4C (CMT4C); CHARCOT-MARIE-TOOTH DISEASE, DEMYELINATING, TYPE 4C; CHARCOT-MARIE-TOOTH DISEASE, DEMYELINATING, AUTOSOMAL RECESSIVE, TYPE 4C; CMT 4C. Identifiers: Orphanet 99949, MedGen C1866636, MONDO:0011113, OMIM 601596.

Allele frequency attached by ClinVar (database versions not stated): ESP Exome Variant Server 0.97770; ExAC 0.97847; gnomAD exomes 0.97876; gnomAD 0.97933 and 0.98003; TOPMed 0.98035; 1000 Genomes Project 30x 0.99016; 1000 Genomes Project 0.99062.
gnomAD v4.1: 1,568,066 of 1,614,122 alleles (97%); highest among the groups gnomAD compares: East Asian, 100%; 761,761 homozygotes.

Submissions (16):

Labcorp Genetics (formerly Invitae), Labcorp
Classification: Benign for Charcot-Marie-Tooth disease type 4. Last evaluated: 2026-02-04. Review status: criteria provided, single submitter. Criteria: Invitae Variant Classification Sherloc (09022015). Collection method: clinical testing. Allele origin: germline.

Blueprint Genetics
Classification: Likely benign. Last evaluated: 2024-11-26. Review status: criteria provided, single submitter. Criteria: ACMG Guidelines, 2015. Collection method: clinical testing. Allele origin: germline.

Genome-Nilou Lab
Classification: Benign for Charcot-Marie-Tooth disease type 4C. Last evaluated: 2021-07-15. Review status: criteria provided, single submitter. Criteria: ACMG Guidelines, 2015. Collection method: clinical testing. Allele origin: germline. Affected: no.

Genome-Nilou Lab
Classification: Benign for Susceptibility to mononeuropathy of the median nerve, mild. Last evaluated: 2021-07-15. Review status: criteria provided, single submitter. Criteria: ACMG Guidelines, 2015. Collection method: clinical testing. Allele origin: germline. Affected: no.

Illumina Laboratory Services, Illumina
Classification: Benign for Charcot-Marie-Tooth disease type 4C. Last evaluated: 2018-01-12. Review status: criteria provided, single submitter. Criteria: ICSL Variant Classification Criteria 13 December 2019. Collection method: clinical testing. Allele origin: germline.
Comment: This variant was observed in the ICSL laboratory as part of a predisposition screen in an ostensibly healthy population. It had not been previously curated by ICSL or reported in the Human Gene Mutation Database (HGMD: prior to June 1st, 2018), and was therefore a candidate for classification through an automated scoring system. Utilizing variant allele frequency, disease prevalence and penetrance estimates, and inheritance mode, an automated score was calculated to assess if this variant is too frequent to cause the disease. Based on the score and internal cut-off values, a variant classified as benign is not then subjected to further curation. The score for this variant resulted in a classification of benign for this disease.

Illumina Laboratory Services, Illumina
Classification: Benign for Susceptibility to mononeuropathy of the median nerve, mild. Last evaluated: 2018-01-12. Review status: criteria provided, single submitter. Criteria: ICSL Variant Classification Criteria 13 December 2019. Collection method: clinical testing. Allele origin: germline.
Comment: the same text as in the submission from Illumina Laboratory Services, Illumina above.

Athena Diagnostics
Classification: Benign. Last evaluated: 2017-07-12. Review status: criteria provided, single submitter. Criteria: Athena Diagnostics Criteria. Collection method: clinical testing. Allele origin: germline.

Mayo Clinic Laboratories, Mayo Clinic
Classification: Benign. Last evaluated: 2015-10-14. Review status: criteria provided, single submitter. Criteria: ACMG Guidelines, 2015. Collection method: clinical testing. Allele origin: germline. Observed: 2,090 variant alleles.

GeneDx
Classification: Benign. Last evaluated: 2015-03-03. Review status: criteria provided, single submitter. Criteria: GeneDx Variant Classification Process June 2021. Collection method: clinical testing. Allele origin: germline. Affected: yes.

Eurofins Ntd Llc (ga)
Classification: Benign. Last evaluated: 2014-12-05. Review status: criteria provided, single submitter. Criteria: EGL Classification Definitions 2015. Collection method: clinical testing. Allele origin: germline. Observed: 3 variant alleles, 3 homozygotes.

Molecular Genetics Laboratory, London Health Sciences Centre
Classification: Benign for Charcot-Marie-Tooth disease. Review status: criteria provided, single submitter. Criteria: ACMG Guidelines, 2015. Collection method: clinical testing. Allele origin: germline. Affected: yes.

PreventionGenetics, part of Exact Sciences
Classification: Benign. Review status: criteria provided, single submitter. Criteria: ACMG Guidelines, 2015. Collection method: clinical testing. Allele origin: germline.

Clinical Genetics, Academic Medical Center
Classification: Benign. Review status: no assertion criteria provided. Collection method: clinical testing. Allele origin: germline. Affected: yes. Study: VKGL Data-share Consensus. Not counted in ClinVar's aggregate classification.

Diagnostic Laboratory, Department of Genetics, University Medical Center Groningen
Classification: Benign. Review status: no assertion criteria provided. Collection method: clinical testing. Allele origin: germline. Affected: yes. Study: VKGL Data-share Consensus. Not counted in ClinVar's aggregate classification.

Genetic Services Laboratory, University of Chicago
Classification: Likely benign for AllHighlyPenetrant. Review status: no assertion criteria provided. Collection method: clinical testing. Allele origin: germline. Not counted in ClinVar's aggregate classification.
Comment: Likely benign based on allele frequency in 1000 Genomes Project or ESP global frequency and its presence in a patient with a rare or unrelated disease phenotype. NOT Sanger confirmed.

Joint Genome Diagnostic Labs from Nijmegen and Maastricht, Radboudumc and MUMC+
Classification: Benign. Review status: no assertion criteria provided. Collection method: clinical testing. Allele origin: germline. Affected: yes. Study: VKGL Data-share Consensus. Not counted in ClinVar's aggregate classification.